The following is an entry in ClinVar:

ClinVar aggregate classification (germline): Conflicting classifications of pathogenicity. Review status: criteria provided, conflicting classifications (1 of 4 stars). 3 submissions from 3 submitters: Uncertain significance (2); Likely benign (1). Last evaluated 2023-02-10.

Conditions:
Inborn genetic diseases. Identifiers: MedGen C0950123, MeSH D030342.
Immunodeficiency, common variable, 2 (CVID2). Also called: ANTIBODY DEFICIENCY DUE TO TACI DEFECT; HYPOGAMMAGLOBULINEMIA DUE TO TACI DEFICIENCY. Identifiers: Orphanet 1572, MedGen C3150354, MONDO:0009413, OMIM 240500.

Allele frequency attached by ClinVar (database versions not stated): gnomAD 0.00003; TOPMed 0.00007.
gnomAD v4.1: 12 of 1,612,674 alleles (0.00074%); highest among the groups gnomAD compares: Admixed American, 0.013%; no homozygotes.

Submissions (3):

Blueprint Genetics
Classification: Uncertain significance. Last evaluated: 2023-02-10. Review status: criteria provided, single submitter. Criteria: ACMG Guidelines, 2015. Collection method: clinical testing. Allele origin: germline.

Labcorp Genetics (formerly Invitae), Labcorp
Classification: Uncertain significance for Immunodeficiency, common variable, 2. Last evaluated: 2022-10-24. Review status: criteria provided, single submitter. Criteria: Invitae Variant Classification Sherloc (09022015). Collection method: clinical testing. Allele origin: germline.
Comment: This sequence change replaces histidine, which is basic and polar, with leucine, which is neutral and non-polar, at codon 262 of the TNFRSF13B protein (p.His262Leu). This variant is present in population databases (no rsID available, gnomAD 0.009%). This variant has not been reported in the literature in individuals affected with TNFRSF13B-related conditions. ClinVar contains an entry for this variant (Variation ID: 949604). Advanced modeling of protein sequence and biophysical properties (such as structural, functional, and spatial information, amino acid conservation, physicochemical variation, residue mobility, and thermodynamic stability) performed at Invitae indicates that this missense variant is not expected to disrupt TNFRSF13B protein function. In summary, the available evidence is currently insufficient to determine the role of this variant in disease. Therefore, it has been classified as a Variant of Uncertain Significance.

Ambry Genetics
Classification: Likely benign for Inborn genetic diseases. Last evaluated: 2022-05-18. Review status: criteria provided, single submitter. Criteria: Ambry Variant Classification Scheme 2023. Collection method: clinical testing. Allele origin: germline.

NM_012452.3(TNFRSF13B):c.785A>T (p.His262Leu)

Gene: TNFRSF13B (TNF receptor superfamily member 13B; minus strand). Cytogenetic location: 17p11.2.
Variant type: single nucleotide variant.
Coding change: c.785A>T on transcript NM_012452.3 (MANE Select); coding-DNA position 785, A replaced by T.
Protein change: p.His262Leu; replaces histidine 262 with leucine.
Molecular consequence: missense variant.
Genome position (GRCh38, 1-based): chr17:16,939,644, T>A on the plus strand (A>T on the coding strand, the complement: TNFRSF13B is on the minus strand). VCF-style: chr17-16939644-T-A. GRCh37 (hg19) VCF-style: chr17-16842958-T-A.
Other names: short protein forms H262L.
Identifiers: ClinVar variation 949604 (VCV000949604.4), dbSNP rs753296393, ClinGen allele CA398519025.